The following is an entry in ClinVar:

NM_001042681.2(RERE):c.1013C>T (p.Ala338Val)

Gene: RERE (arginine-glutamic acid dipeptide repeats; minus strand). Cytogenetic location: 1p36.23.
Variant type: single nucleotide variant.
Coding change: c.1013C>T on transcript NM_001042681.2 (MANE Select); coding-DNA position 1013, C replaced by T.
Protein change: p.Ala338Val; replaces alanine 338 with valine.
Molecular consequence: missense variant.
Genome position (GRCh38, 1-based): chr1:8,495,154, G>A on the plus strand (C>T on the coding strand, the complement: RERE is on the minus strand). VCF-style: chr1-8495154-G-A. GRCh37 (hg19) VCF-style: chr1-8555214-G-A.
Other names: c.1013C>T, p.Ala338Val (NM_012102.4); short protein forms A338V.
Identifiers: ClinVar variation 1208607 (VCV001208607.3), dbSNP rs1206233080, ClinGen allele CA338223831.

ClinVar aggregate classification (germline): Uncertain significance (1 of 4 stars; one submission).

Allele frequency attached by ClinVar (database versions not stated): gnomAD exomes below 0.00001 and 0.00001; TOPMed below 0.00001; gnomAD 0.00001.
gnomAD v4.1: 9 of 1,612,584 alleles (0.00056%); highest among the groups gnomAD compares: African/African-American, 0.0027%; no homozygotes.

Submission:

GeneDx
Classification: Uncertain significance. Last evaluated: 2020-08-24. Review status: criteria provided, single submitter. Criteria: GeneDx Variant Classification Process June 2021. Collection method: clinical testing. Allele origin: germline. Affected: yes.
Comment: In silico analysis supports that this missense variant has a deleterious effect on protein structure/function; Has not been previously published as pathogenic or benign to our knowledge